The following is an entry in ClinVar:

NM_001040108.2(MLH3):c.2076A>C (p.Thr692=)

Gene: MLH3 (mutL homolog 3; minus strand). Cytogenetic location: 14q24.3.
Variant type: single nucleotide variant.
Coding change: c.2076A>C on transcript NM_001040108.2 (MANE Select); coding-DNA position 2076, A replaced by C.
Protein change: p.Thr692=; no amino-acid change (threonine 692 retained).
Molecular consequence: synonymous variant.
Genome position (GRCh38, 1-based): chr14:75,047,580, T>G on the plus strand (A>C on the coding strand, the complement: MLH3 is on the minus strand). VCF-style: chr14-75047580-T-G. GRCh37 (hg19) VCF-style: chr14-75514283-T-G.
Other names: c.2076A>C, p.Thr692= (NM_014381.3).
Identifiers: ClinVar variation 1566314 (VCV001566314.9), dbSNP rs1892338323, ClinGen allele CA487273137.

ClinVar aggregate classification (germline): Benign/Likely benign. Review status: criteria provided, multiple submitters, no conflicts (2 of 4 stars). 2 submissions from 2 submitters: Benign (1); Likely benign (1). Last evaluated 2026-05-04.

Conditions:
Colorectal cancer, hereditary nonpolyposis, type 7. Identifiers: Orphanet 144, MedGen C1858380, MONDO:0013725, OMIM 614385.

Submissions (2):

Myriad Genetics, Inc.
Classification: Benign for Colorectal cancer, hereditary nonpolyposis, type 7. Last evaluated: 2026-05-04. Review status: criteria provided, single submitter. Criteria: Myriad Autosomal Dominant, Autosomal Recessive and X-Linked Classification Criteria (2023). Collection method: clinical testing. Allele origin: unknown.
Comment: This variant is considered benign. This variant is a silent/synonymous amino acid change and it is not expected to impact splicing.

Labcorp Genetics (formerly Invitae), Labcorp
Classification: Likely benign for Colorectal cancer, hereditary nonpolyposis, type 7. Last evaluated: 2021-07-06. Review status: criteria provided, single submitter. Criteria: Invitae Variant Classification Sherloc (09022015). Collection method: clinical testing. Allele origin: germline.